The following is an entry in ClinVar:

NM_017780.4(CHD7):c.746T>C (p.Leu249Ser)

Gene: CHD7 (chromodomain helicase DNA binding protein 7; plus strand). Cytogenetic location: 8q12.2.
Variant type: single nucleotide variant.
Coding change: c.746T>C on transcript NM_017780.4 (MANE Select); coding-DNA position 746, T replaced by C.
Protein change: p.Leu249Ser; replaces leucine 249 with serine.
Molecular consequence: missense variant.
Genome position (GRCh38, 1-based): chr8:60,742,178, T>C. VCF-style: chr8-60742178-T-C. GRCh37 (hg19) VCF-style: chr8-61654737-T-C.
Other names: c.746T>C, p.Leu249Ser (NM_001316690.1); short protein forms L249S.
Identifiers: ClinVar variation 2771568 (VCV002771568.3), dbSNP rs2487269076, ClinGen allele CA371299144.

ClinVar aggregate classification (germline): Uncertain significance (1 of 4 stars; one submission).

Conditions:
CHARGE syndrome (CHARGE). Also called: Hittner Hirsch Kreh syndrome; CHARGE ASSOCIATION--COLOBOMA, HEART ANOMALY, CHOANAL ATRESIA, RETARDATION, GENITAL AND EAR ANOMALIES; Coloboma, heart anomaly, choanal atresia, retardation, genital and ear anomalies; CHARGE association; Hall-Hittner syndrome. Identifiers: Orphanet 138, MedGen C0265354, MONDO:0008965.

Submission:

Labcorp Genetics (formerly Invitae), Labcorp
Classification: Uncertain significance for CHARGE syndrome. Last evaluated: 2025-02-17. Review status: criteria provided, single submitter. Criteria: Invitae Variant Classification Sherloc (09022015). Collection method: clinical testing. Allele origin: germline.
Comment: This sequence change replaces leucine, which is neutral and non-polar, with serine, which is neutral and polar, at codon 249 of the CHD7 protein (p.Leu249Ser). This variant is not present in population databases (gnomAD no frequency). This variant has not been reported in the literature in individuals affected with CHD7-related conditions. ClinVar contains an entry for this variant (Variation ID: 2771568). Invitae Evidence Modeling of protein sequence and biophysical properties (such as structural, functional, and spatial information, amino acid conservation, physicochemical variation, residue mobility, and thermodynamic stability) indicates that this missense variant is not expected to disrupt CHD7 protein function with a negative predictive value of 95%. In summary, the available evidence is currently insufficient to determine the role of this variant in disease. Therefore, it has been classified as a Variant of Uncertain Significance.